The following is an entry in ClinVar:

NM_000478.6(ALPL):c.129del (p.Gln44fs)

Gene: ALPL (alkaline phosphatase, biomineralization associated; plus strand). Cytogenetic location: 1p36.12.
Variant type: Deletion.
Coding change: c.129del on transcript NM_000478.6 (MANE Select); coding-DNA position 129, one base deleted (T; older notation c.129delT).
Protein change: p.Gln44fs; shifts the reading frame from glutamine 44.
Molecular consequence: frameshift variant. On other transcripts: 5 prime UTR variant (1).
Genome position (GRCh38, 1-based): chr1:21,560,693, T deleted; the last of 2 consecutive T bases (chr1:21,560,692-21,560,693); deleting either gives the same sequence. VCF-style (leftmost placement, unchanged base first): chr1-21560691-CT-C. GRCh37 (hg19) VCF-style: chr1-21887184-CT-C.
Other names: c.129del (NM_000478.5); c.-37del (NM_001127501.4); c.14del, p.Phe5fs (NM_001177520.3); c.129del, p.Gln44fs (NM_001369803.2, NM_001369804.2, NM_001369805.2); c.129delT (NM_000478.4); short protein forms F5fs, Q44fs.
Identifiers: ClinVar variation 371247 (VCV000371247.15), dbSNP rs763244290, ClinGen allele CA666403.

ClinVar aggregate classification (germline): Pathogenic. Review status: criteria provided, multiple submitters, no conflicts (2 of 4 stars). 6 submissions from 6 submitters: Pathogenic (5). 1 of the submissions does not count toward it. Last evaluated 2025-08-29.

Conditions:
Adult hypophosphatasia. Identifiers: Orphanet 247676, Orphanet 436, MedGen C0268413, MONDO:1010154, OMIM 146300, MONDO:0007798.
Childhood hypophosphatasia. Identifiers: Orphanet 247667, Orphanet 436, MedGen C0220743, MONDO:1010168, OMIM 241510, MONDO:0009428.
Infantile hypophosphatasia. Identifiers: Orphanet 247651, Orphanet 436, MedGen C0268412, MONDO:1010169, OMIM 241500, MONDO:0009427.
Hypophosphatasia. Also called: Phosphoethanol-aminuria. Identifiers: Orphanet 436, MedGen C0020630, MeSH D007014, MONDO:0018570.

Submissions (6):

Genomenon, Inc
Classification: Pathogenic for Hypophosphatasia. Last evaluated: 2025-08-29. Review status: criteria provided, single submitter. Criteria: Genomenon Sequence Variant Interpretation Standards. Collection method: curation. Allele origin: germline. Affected: yes.
Comment: ALPL p.Gln44ArgfsTer24 (c.129del) is a frameshift variant that results in the production of a truncated protein that is predicted to undergo nonsense-mediated mRNA decay. This variant has been observed in at least one proband affected with hypophosphatasia (PMID:25731960). It is absent or not present at a significant frequency in gnomAD. In conclusion, we classify ALPL p.Gln44ArgfsTer24 (c.129del) as a pathogenic variant.

Victorian Clinical Genetics Services, Murdoch Childrens Research Institute
Classification: Pathogenic for Childhood hypophosphatasia. Last evaluated: 2025-06-12. Review status: criteria provided, single submitter. Criteria: ACMG Guidelines, 2015. Collection method: clinical testing. Allele origin: germline.
Comment: This variant is classified as Pathogenic. Evidence in support of pathogenic classification: Variant is predicted to cause nonsense-mediated decay (NMD) and loss of protein (premature termination codon is located at least 54 nucleotides upstream of the final exon-exon junction); Variant is present in gnomAD <0.01 (v4: 1 heterozygote(s), 0 homozygote(s)); This variant has strong previous evidence of pathogenicity in unrelated individuals. This variant has been classified as pathogenic and likely pathogenic by clinical laboratories in ClinVar. This variant has also been reported in a compound heterozygous individual with severe childhood HPP (PMID: 25731960); Other NMD-predicted variant(s) comparable to the one identified in this case have very strong previous evidence for pathogenicity (DECIPHER). Additional information: This variant is heterozygous; This gene is associated with both recessive and dominant disease. Severe forms of hypophosphatasia (perinatal and infantile) are generally associated with autosomal recessive disease, while the milder forms of hypophosphatasia (childhood, adult and odontohypophosphatasia) have been associated with both autosomal dominant and recessive disease (PMID: 19500388, 23688511); Dominant negative and loss of function are known mechanisms of disease in this gene. Late-onset/mild disease is associated with monoallelic dominant negative variants or biallelic loss of function variants that retain residual enzyme activity, while early-onset/severe disease is caused by more complete loss of function variants (PMID: 20301329, 19500388); The condition associated with this gene has incomplete penetrance (PMID: 20301329); Variants in this gene are known to have variable expressivity (PMID: 20301329).

Labcorp Genetics (formerly Invitae), Labcorp
Classification: Pathogenic. Last evaluated: 2025-05-17. Review status: criteria provided, single submitter. Criteria: Invitae Variant Classification Sherloc (09022015). Collection method: clinical testing. Allele origin: germline.
Comment: This sequence change creates a premature translational stop signal (p.Gln44Argfs*24) in the ALPL gene. It is expected to result in an absent or disrupted protein product. Loss-of-function variants in ALPL are known to be pathogenic (PMID: 3174660, 10679946, 32973344, 33814268). This variant is present in population databases (rs763244290, gnomAD 0.0009%). This premature translational stop signal has been observed in individual(s) with hypophosphatasia (PMID: 25731960). ClinVar contains an entry for this variant (Variation ID: 371247). For these reasons, this variant has been classified as Pathogenic.

GeneDx
Classification: Pathogenic. Last evaluated: 2022-04-19. Review status: criteria provided, single submitter. Criteria: GeneDx Variant Classification Process June 2021. Collection method: clinical testing. Allele origin: germline. Affected: yes.
Comment: Frameshift variant predicted to result in protein truncation or nonsense mediated decay in a gene for which loss of function is a known mechanism of disease; Not observed at significant frequency in large population cohorts (gnomAD); This variant is associated with the following publications: (PMID: 25731960)

Fulgent Genetics
Classification: Pathogenic for Adult hypophosphatasia; Infantile hypophosphatasia; Childhood hypophosphatasia. Last evaluated: 2022-02-28. Review status: criteria provided, single submitter. Criteria: ACMG Guidelines, 2015. Collection method: clinical testing. Allele origin: unknown.

Counsyl
Classification: Likely pathogenic for Infantile hypophosphatasia. Last evaluated: 2016-08-05. Review status: no assertion criteria provided. Collection method: clinical testing. Allele origin: unknown. Not counted in ClinVar's aggregate classification.

Literature cited by the submitters: PubMed 25731960 (cited by 4 submitters); PubMed 20301329 (cited by Victorian Clinical Genetics Services, Murdoch Childrens Research Institute); PubMed 19500388 (cited by Victorian Clinical Genetics Services, Murdoch Childrens Research Institute); PubMed 23688511 (cited by Victorian Clinical Genetics Services, Murdoch Childrens Research Institute); PubMed 3174660 (cited by Labcorp Genetics (formerly Invitae), Labcorp); PubMed 10679946 (cited by Labcorp Genetics (formerly Invitae), Labcorp); PubMed 32973344 (cited by Labcorp Genetics (formerly Invitae), Labcorp); PubMed 33814268 (cited by Labcorp Genetics (formerly Invitae), Labcorp).